The following is an entry in ClinVar:

NM_001267550.2(TTN):c.28183_28423dup (p.Val9475delinsGluProThrLeuLeuTer)

Gene: TTN (titin; minus strand). Cytogenetic location: 2q31.2.
Variant type: Duplication.
Coding change: c.28183_28423dup on transcript NM_001267550.2 (MANE Select); coding-DNA positions 28183 to 28423, 241 bases duplicated.
Protein change: p.Val9475delinsGluProThrLeuLeuTer.
Molecular consequence: nonsense. On other transcripts: intron variant (3).
Genome position (GRCh38, 1-based): chr2:178,710,674-178,710,914, 241 bases duplicated. GRCh37 (hg19): chr2:179,575,405-179,575,645.
Other names: c.27232_27472dup, p.Val9158delinsGluProThrLeuLeuTer (NM_001256850.1); c.24451_24691dup, p.Val8231delinsGluProThrLeuLeuTer (NM_133378.4); c.13282+27168_13282+27408dup (NM_003319.4); c.13858+27168_13858+27408dup (NM_133437.4); c.13657+27168_13657+27408dup (NM_133432.3).
Identifiers: ClinVar variation 3758865 (VCV003758865.2).

ClinVar aggregate classification (germline): Likely pathogenic (1 of 4 stars; one submission).

Conditions:
Dilated cardiomyopathy 1G (CMD1G). Identifiers: Orphanet 154, MedGen C1858763, MONDO:0011400, OMIM 604145.
Autosomal recessive limb-girdle muscular dystrophy type 2J (LGMDR10). Also called: Limb-girdle muscular dystrophy, type 2J; MUSCULAR DYSTROPHY, LIMB-GIRDLE, AUTOSOMAL RECESSIVE 10. Identifiers: Orphanet 140922, MedGen C1837342, MONDO:0012127, OMIM 608807.

Submission:

Labcorp Genetics (formerly Invitae), Labcorp
Classification: Likely pathogenic for Dilated cardiomyopathy 1G; Autosomal recessive limb-girdle muscular dystrophy type 2J. Last evaluated: 2024-09-17. Review status: criteria provided, single submitter. Criteria: Invitae Variant Classification Sherloc (09022015). Collection method: clinical testing. Allele origin: germline.
Comment: This sequence change creates a premature translational stop signal (p.Val9475Glufs*6) in the TTN gene. While this is not anticipated to result in nonsense mediated decay, it is expected to create a truncated TTN protein. This variant is not present in population databases (gnomAD no frequency). This variant has not been reported in the literature in individuals affected with TTN-related conditions. This variant is located in the I band of TTN (PMID: 25589632). Truncating variants in this region have been reported in individuals affected with autosomal recessive centronuclear myopathy (PMID: 23975875, internal data). Truncating variants in this region have also been identified in individuals affected with autosomal dominant dilated cardiomyopathy and/or cardio-related conditions (PMID: 27869827, 32964742, internal data). In summary, the currently available evidence indicates that the variant is pathogenic, but additional data are needed to prove that conclusively. Therefore, this variant has been classified as Likely Pathogenic.

Literature cited by the submitters: PubMed 25589632; PubMed 23975875; PubMed 27869827; PubMed 32964742.